The following is an entry in ClinVar:

ClinVar aggregate classification (germline): Pathogenic (1 of 4 stars; one submission).

Conditions:
Neurofibromatosis, type 1 (NF1). Also called: VON RECKLINGHAUSEN DISEASE; Peripheral type neurofibromatosis; NEUROFIBROMATOSIS, TYPE I, SOMATIC; Neurofibromatosis, type I. Identifiers: Orphanet 636, MedGen C0027831, MONDO:0018975, OMIM 162200. Disease mechanism: loss of function.

Submission:

Labcorp Genetics (formerly Invitae), Labcorp
Classification: Pathogenic for Neurofibromatosis, type 1. Last evaluated: 2020-02-26. Review status: criteria provided, single submitter. Criteria: Invitae Variant Classification Sherloc (09022015). Collection method: clinical testing. Allele origin: germline.
Comment: This sequence change creates a premature translational stop signal (p.Ile603Aspfs*5) in the NF1 gene. It is expected to result in an absent or disrupted protein product. This variant is not present in population databases (ExAC no frequency). This variant has not been reported in the literature in individuals with NF1-related conditions. Loss-of-function variants in NF1 are known to be pathogenic (PMID: 10712197, 23913538). For these reasons, this variant has been classified as Pathogenic.

Literature cited by the submitters: PubMed 10712197; PubMed 23913538.

NM_001042492.3(NF1):c.1807_1811del (p.Ile603fs)

Gene: NF1 (neurofibromin 1; plus strand). Cytogenetic location: 17q11.2.
Variant type: Deletion.
Coding change: c.1807_1811del on transcript NM_001042492.3 (MANE Select); coding-DNA positions 1807 to 1811, 5 bases deleted (ATATT; older notation c.1807_1811delATATT).
Protein change: p.Ile603fs; shifts the reading frame from isoleucine 603.
Molecular consequence: frameshift variant.
Genome position (GRCh38, 1-based): chr17:31,223,529-31,223,533, ATATT deleted. VCF-style (leftmost placement, unchanged base first): chr17-31223528-AATATT-A. GRCh37 (hg19) VCF-style: chr17-29550546-AATATT-A.
Other names: c.1807_1811delATATT, p.Ile603Aspfs (NM_000267.4); short protein forms I603fs.
Identifiers: ClinVar variation 1072308 (VCV001072308.1), dbSNP rs2144016788, ClinGen allele CA2499224033.